The following is an entry in ClinVar:

NM_000181.4(GUSB):c.1896A>G (p.Glu632=)

Gene: GUSB (glucuronidase beta; minus strand). Cytogenetic location: 7q11.21.
Variant type: single nucleotide variant.
Coding change: c.1896A>G on transcript NM_000181.4 (MANE Select); coding-DNA position 1896, A replaced by G.
Protein change: p.Glu632=; no amino-acid change (glutamic acid 632 retained).
Molecular consequence: synonymous variant. On other transcripts: non-coding transcript variant (1).
Genome position (GRCh38, 1-based): chr7:65,960,957, T>C on the plus strand (A>G on the coding strand, the complement: GUSB is on the minus strand). VCF-style: chr7-65960957-T-C. GRCh37 (hg19) VCF-style: chr7-65425944-T-C.
Other names: c.1458A>G, p.Glu486= (NM_001284290.2); c.1326A>G, p.Glu442= (NM_001293104.2); c.1239A>G, p.Glu413= (NM_001293105.2).
Identifiers: ClinVar variation 2727904 (VCV002727904.25), dbSNP rs1249207867, ClinGen allele CA455439588.

ClinVar aggregate classification (germline): Likely benign. Review status: criteria provided, multiple submitters, no conflicts (2 of 4 stars). 2 submissions from 2 submitters: Likely benign (2). Last evaluated 2024-01-01.

Conditions:
Mucopolysaccharidosis type 7 (MPS7). Also called: BETA-GLUCURONIDASE DEFICIENCY; GUSB DEFICIENCY; SLY SYNDROME; MPS VII. Identifiers: Orphanet 584, MedGen C0085132, MONDO:0009662, OMIM 253220.

Allele frequency attached by ClinVar (database versions not stated): gnomAD exomes below 0.00001.
gnomAD v4.1: 3 of 1,613,990 alleles (0.00019%); highest among the groups gnomAD compares: East Asian, 0.0045%; no homozygotes.

Submissions (2):

CeGaT Center for Human Genetics Tuebingen
Classification: Likely benign. Last evaluated: 2024-01-01. Review status: criteria provided, single submitter. Criteria: CeGaT Center For Human Genetics Tuebingen Variant Classification Criteria Version 2. Collection method: clinical testing. Allele origin: germline. Affected: yes. Observed: 1 variant allele.
Comment: GUSB: BP4, BP7

Labcorp Genetics (formerly Invitae), Labcorp
Classification: Likely benign for Mucopolysaccharidosis type 7. Last evaluated: 2023-10-15. Review status: criteria provided, single submitter. Criteria: Invitae Variant Classification Sherloc (09022015). Collection method: clinical testing. Allele origin: germline.